The following is an entry in ClinVar:

ClinVar aggregate classification (germline): Benign/Likely benign. Review status: criteria provided, multiple submitters, no conflicts (2 of 4 stars). 3 submissions from 3 submitters: Benign (1); Likely benign (2). Last evaluated 2026-01-28.

Conditions:
Primary hyperoxaluria type 3. Also called: PH III. Identifiers: Orphanet 416, Orphanet 93600, MedGen C3150878, MONDO:0013327, OMIM 613616. Disease mechanism: loss of function.
HOGA1-related disorder. Also called: HOGA1-related condition.

Allele frequency attached by ClinVar (database versions not stated): ESP Exome Variant Server 0.00008; gnomAD 0.00016 and 0.00026; TOPMed 0.00029; gnomAD exomes 0.00031 and 0.00065; ExAC 0.00077; 1000 Genomes Project 30x 0.00156; 1000 Genomes Project 0.00160.
gnomAD v4.1: 505 of 1,612,356 alleles (0.031%); highest among the groups gnomAD compares: East Asian, 0.59%; 2 homozygotes.

Submissions (3):

Labcorp Genetics (formerly Invitae), Labcorp
Classification: Benign. Last evaluated: 2026-01-28. Review status: criteria provided, single submitter. Criteria: Invitae Variant Classification Sherloc (09022015). Collection method: clinical testing. Allele origin: germline.

PreventionGenetics, part of Exact Sciences
Classification: Likely benign for HOGA1-related condition. Last evaluated: 2024-10-15. Review status: criteria provided, single submitter. Criteria: ACMG Guidelines, 2015. Collection method: clinical testing. Allele origin: germline.
Comment: This variant is classified as likely benign based on ACMG/AMP sequence variant interpretation guidelines (Richards et al. 2015 PMID: 25741868, with internal and published modifications).

Fulgent Genetics
Classification: Likely benign for Primary hyperoxaluria type 3. Last evaluated: 2022-05-06. Review status: criteria provided, single submitter. Criteria: ACMG Guidelines, 2015. Collection method: clinical testing. Allele origin: unknown.

NM_138413.4(HOGA1):c.715G>A (p.Val239Ile)

Gene: HOGA1 (4-hydroxy-2-oxoglutarate aldolase 1; plus strand). Cytogenetic location: 10q24.2.
Variant type: single nucleotide variant.
Coding change: c.715G>A on transcript NM_138413.4 (MANE Select); coding-DNA position 715, G replaced by A.
Protein change: p.Val239Ile; replaces valine 239 with isoleucine.
Molecular consequence: missense variant.
Genome position (GRCh38, 1-based): chr10:97,601,871, G>A. VCF-style: chr10-97601871-G-A. GRCh37 (hg19) VCF-style: chr10-99361628-G-A.
Other names: c.226G>A, p.Val76Ile (NM_001134670.2); short protein forms V76I, V239I.
Identifiers: ClinVar variation 723653 (VCV000723653.13), dbSNP rs189919790, ClinGen allele CA5634227.
Genomic context (GRCh38, chr10:97,601,871, plus strand): 5'-GGAGGGGAGAGGCTCTGGCTGATGTTCTGCGTCTTACTTCGTGCAGGAGCTGTGGGGGGC[G>A]TCTGCGCCCTGGCCAATGTCCTGGGGGCTCAGGTGTGCCAGCTGGAGCGACTGTGCTGCA-3'
Protein context (NP_612422.2, residues 229-249): ASYALGAVGG[Val239Ile]CALANVLGAQ